The following is an entry in ClinVar:

ClinVar aggregate classification (germline): Uncertain significance (1 of 4 stars; one submission).

Conditions:
Arginine:glycine amidinotransferase deficiency (CCDS3). Also called: Creatine deficiency syndrome due to AGAT deficiency; GATM deficiency; AGAT deficiency; L-Arginine:Glycine Amidinotransferase Deficiency; L-Arginine:Glycine Amidinotransferase (AGAT) Deficiency; Cerebral creatine deficiency syndrome 3. Identifiers: Orphanet 35704, MedGen C2675179, MONDO:0012996, OMIM 612718.

gnomAD v4.1: 1 of 1,613,518 alleles (0.000062%); highest among the groups gnomAD compares: Non-Finnish European, 0.000085%; no homozygotes.

Submission:

Labcorp Genetics (formerly Invitae), Labcorp
Classification: Uncertain significance for Arginine:glycine amidinotransferase deficiency. Last evaluated: 2024-08-05. Review status: criteria provided, single submitter. Criteria: Invitae Variant Classification Sherloc (09022015). Collection method: clinical testing. Allele origin: germline.
Comment: This sequence change replaces valine, which is neutral and non-polar, with alanine, which is neutral and non-polar, at codon 372 of the GATM protein (p.Val372Ala). This variant is not present in population databases (gnomAD no frequency). This variant has not been reported in the literature in individuals affected with GATM-related conditions. Advanced modeling of protein sequence and biophysical properties (such as structural, functional, and spatial information, amino acid conservation, physicochemical variation, residue mobility, and thermodynamic stability) performed at Invitae indicates that this missense variant is not expected to disrupt GATM protein function with a negative predictive value of 80%. In summary, the available evidence is currently insufficient to determine the role of this variant in disease. Therefore, it has been classified as a Variant of Uncertain Significance.

NM_001482.3(GATM):c.1115T>C (p.Val372Ala)

Gene: GATM (glycine amidinotransferase; minus strand). Cytogenetic location: 15q21.1.
Variant type: single nucleotide variant.
Coding change: c.1115T>C on transcript NM_001482.3 (MANE Select); coding-DNA position 1115, T replaced by C.
Protein change: p.Val372Ala; replaces valine 372 with alanine.
Molecular consequence: missense variant.
Genome position (GRCh38, 1-based): chr15:45,363,944, A>G on the plus strand (T>C on the coding strand, the complement: GATM is on the minus strand). VCF-style: chr15-45363944-A-G. GRCh37 (hg19) VCF-style: chr15-45656142-A-G.
Other names: c.728T>C, p.Val243Ala (NM_001321015.2); short protein forms V243A, V372A.
Identifiers: ClinVar variation 3623921 (VCV003623921.2).